The following is an entry in ClinVar:

NM_006915.3(RP2):c.308G>A (p.Arg103Gln)

Gene: RP2 (RP2 activator of ARL3 GTPase; plus strand). Cytogenetic location: Xp11.3.
Variant type: single nucleotide variant.
Coding change: c.308G>A on transcript NM_006915.3 (MANE Select); coding-DNA position 308, G replaced by A.
Protein change: p.Arg103Gln; replaces arginine 103 with glutamine.
Molecular consequence: missense variant.
Genome position (GRCh38, 1-based): chrX:46,853,681, G>A. VCF-style: chrX-46853681-G-A. GRCh37 (hg19) VCF-style: chrX-46713116-G-A.
Other names: short protein forms R103Q.
Identifiers: ClinVar variation 2502802 (VCV002502802.1), dbSNP rs1343083208, ClinGen allele CA413039245.

ClinVar aggregate classification (germline): Uncertain significance (1 of 4 stars; one submission).

Allele frequency attached by ClinVar (database versions not stated): TOPMed 0.00001.
gnomAD v4.1: 1 of 1,211,736 alleles (0.000083%); no homozygotes.

Submission:

GeneDx
Classification: Uncertain significance. Last evaluated: 2022-11-21. Review status: criteria provided, single submitter. Criteria: GeneDx Variant Classification Process June 2021. Collection method: clinical testing. Allele origin: germline. Affected: yes.
Comment: Not observed at significant frequency in large population cohorts (gnomAD); In silico analysis supports that this missense variant has a deleterious effect on protein structure/function; Has not been previously published as pathogenic or benign to our knowledge